The following is an entry in ClinVar:

ClinVar aggregate classification (germline): Uncertain significance. Review status: criteria provided, multiple submitters, no conflicts (2 of 4 stars). 2 submissions from 2 submitters: Uncertain significance (2). Last evaluated 2026-01-26.

Allele frequency attached by ClinVar (database versions not stated): ExAC 0.00001; gnomAD 0.00002; TOPMed 0.00003.
gnomAD v4.1: 16 of 1,612,966 alleles (0.00099%); highest among the groups gnomAD compares: Admixed American, 0.013%; no homozygotes.

Submissions (2):

Women's Health and Genetics/Laboratory Corporation of America, LabCorp
Classification: Uncertain significance. Last evaluated: 2026-01-26. Review status: criteria provided, single submitter. Criteria: LabCorp Variant Classification Summary - May 2015. Collection method: clinical testing. Allele origin: germline.
Comment: Variant summary: TTN c.11134G>C (p.Gly3712Arg) results in a non-conservative amino acid change in the encoded protein sequence. Algorithms developed to predict the effect of missense changes on protein structure and function all suggest that this variant is likely to be disruptive. The variant allele was found at a frequency of 2e-05 in 247514 control chromosomes. The available data on variant occurrences in the general population are insufficient to allow any conclusion about variant significance. To our knowledge, no occurrence of c.11134G>C in individuals affected with TTN-related conditions and no experimental evidence demonstrating its impact on protein function have been reported. ClinVar contains an entry for this variant (Variation ID: 2437417). Based on the evidence outlined above, the variant was classified as uncertain significance.

Revvity Omics, Revvity
Classification: Uncertain significance. Last evaluated: 2019-07-25. Review status: criteria provided, single submitter. Criteria: ACMG Guidelines, 2015. Collection method: clinical testing. Allele origin: germline.

NM_001267550.2(TTN):c.14866G>C (p.Gly4956Arg)

Gene: TTN (titin; minus strand). Cytogenetic location: 2q31.2.
Variant type: single nucleotide variant.
Coding change: c.14866G>C on transcript NM_001267550.2 (MANE Select); coding-DNA position 14866, G replaced by C.
Protein change: p.Gly4956Arg; replaces glycine 4956 with arginine.
Molecular consequence: missense variant. On other transcripts: intron variant (3).
Genome position (GRCh38, 1-based): chr2:178,735,580, C>G on the plus strand (G>C on the coding strand, the complement: TTN is on the minus strand). VCF-style: chr2-178735580-C-G. GRCh37 (hg19) VCF-style: chr2-179600307-C-G.
Other names: c.13915G>C, p.Gly4639Arg (NM_001256850.1); c.11134G>C, p.Gly3712Arg (NM_133378.4); c.13282+2502G>C (NM_003319.4); c.13858+2502G>C (NM_133437.4); c.13657+2502G>C (NM_133432.3); short protein forms G3712R, G4639R, G4956R.
Identifiers: ClinVar variation 2437417 (VCV002437417.4), dbSNP rs768749718, ClinGen allele CA2002337.